The following is an entry in ClinVar:

ClinVar aggregate classification (germline): Uncertain significance (1 of 4 stars; one submission).

Conditions:
Intellectual disability, autosomal recessive 53 (NEDHSCA). Also called: NEURODEVELOPMENTAL DISORDER WITH OR WITHOUT HYPOTONIA, SEIZURES, AND CEREBELLAR ATROPHY; GLYCOSYLPHOSPHATIDYLINOSITOL BIOSYNTHESIS DEFECT 13; Mental retardation, autosomal recessive 53. Identifiers: Orphanet 488635, MedGen C4310794, MONDO:0014832, OMIM 616917.

Allele frequency attached by ClinVar (database versions not stated): gnomAD exomes below 0.00001.
gnomAD v4.1: 2 of 1,614,136 alleles (0.00012%); highest among the groups gnomAD compares: Admixed American, 0.0017%; no homozygotes.

Submission:

Labcorp Genetics (formerly Invitae), Labcorp
Classification: Uncertain significance for Intellectual disability, autosomal recessive 53. Last evaluated: 2021-08-11. Review status: criteria provided, single submitter. Criteria: Invitae Variant Classification Sherloc (09022015). Collection method: clinical testing. Allele origin: germline.
Comment: In summary, the available evidence is currently insufficient to determine the role of this variant in disease. Therefore, it has been classified as a Variant of Uncertain Significance. Algorithms developed to predict the effect of missense changes on protein structure and function output the following: SIFT: "Tolerated"; PolyPhen-2: "Benign"; Align-GVGD: "Class C0". The serine amino acid residue is found in multiple mammalian species, which suggests that this missense change does not adversely affect protein function. This variant has not been reported in the literature in individuals affected with PIGG-related conditions. This variant is not present in population databases (ExAC no frequency). This sequence change replaces asparagine with serine at codon 862 of the PIGG protein (p.Asn862Ser). The asparagine residue is weakly conserved and there is a small physicochemical difference between asparagine and serine.

NM_001127178.3(PIGG):c.2585A>G (p.Asn862Ser)

Gene: PIGG (phosphatidylinositol glycan anchor biosynthesis class G (EMM blood group); plus strand). Cytogenetic location: 4p16.3.
Variant type: single nucleotide variant.
Coding change: c.2585A>G on transcript NM_001127178.3 (MANE Select); coding-DNA position 2585, A replaced by G.
Protein change: p.Asn862Ser; replaces asparagine 862 with serine.
Molecular consequence: missense variant. On other transcripts: non-coding transcript variant (10).
Genome position (GRCh38, 1-based): chr4:533,831, A>G. VCF-style: chr4-533831-A-G. GRCh37 (hg19) VCF-style: chr4-527620-A-G.
Other names: c.2318A>G, p.Asn773Ser (NM_001289051.2, NM_001345986.2); c.2186A>G, p.Asn729Ser (NM_001289052.2); c.2294A>G, p.Asn765Ser (NM_001345987.2); c.1556A>G, p.Asn519Ser (NM_001345988.2); c.1052A>G, p.Asn351Ser (NM_001345990.2, NM_001345991.2); c.1487A>G, p.Asn496Ser (NM_001345994.2); c.2561A>G, p.Asn854Ser (NM_017733.5); short protein forms N351S, N519S, N729S, N854S, N765S, N496S, N773S, N862S.
Identifiers: ClinVar variation 1497276 (VCV001497276.6), dbSNP rs1480114110, ClinGen allele CA355910888.